The following is an entry in ClinVar:

NM_000238.4(KCNH2):c.1144G>A (p.Ala382Thr)

Gene: KCNH2 (potassium voltage-gated channel subfamily H member 2; minus strand). Cytogenetic location: 7q36.1.
Variant type: single nucleotide variant.
Coding change: c.1144G>A on transcript NM_000238.4 (MANE Select); coding-DNA position 1144, G replaced by A.
Protein change: p.Ala382Thr; replaces alanine 382 with threonine.
Molecular consequence: missense variant. On other transcripts: non-coding transcript variant (2).
Genome position (GRCh38, 1-based): chr7:150,952,838, C>T on the plus strand (G>A on the coding strand, the complement: KCNH2 is on the minus strand). VCF-style: chr7-150952838-C-T. GRCh37 (hg19) VCF-style: chr7-150649926-C-T.
Other names: c.124G>A, p.Ala42Thr (NM_001204798.2, NM_172057.3); c.856G>A, p.Ala286Thr (NM_001406753.1, NM_001406756.1); c.967G>A, p.Ala323Thr (NM_001406755.1); c.844G>A, p.Ala282Thr (NM_001406757.1); c.1144G>A, p.Ala382Thr (NM_172056.3); short protein forms A282T, A382T, A286T, A323T, A42T.
Identifiers: ClinVar variation 2899347 (VCV002899347.4), dbSNP rs2486051428, ClinGen allele CA369860347.

ClinVar aggregate classification (germline): Uncertain significance. Review status: criteria provided, multiple submitters, no conflicts (2 of 4 stars). 2 submissions from 2 submitters: Uncertain significance (2). Last evaluated 2025-06-10.

Conditions:
Long QT syndrome (LQTS). Identifiers: MedGen C0023976, MeSH D008133, MONDO:0002442. Disease mechanism: loss of function. Inheritance: Various modes of inheritance.
Cardiac arrhythmia. Also called: Cardiac rhythm disease; Arrhythmia. Identifiers: MedGen C0003811, MONDO:0007263, HP:0011675.

Allele frequency attached by ClinVar (database versions not stated): gnomAD exomes below 0.00001.
gnomAD v4.1: 1 of 1,613,602 alleles (0.000062%); highest among the groups gnomAD compares: Non-Finnish European, 0.000085%; no homozygotes.

Submissions (2):

Color Diagnostics, LLC DBA Color Health
Classification: Uncertain significance for Cardiac arrhythmia. Last evaluated: 2025-06-10. Review status: criteria provided, single submitter. Criteria: ACMG Guidelines, 2015. Collection method: clinical testing. Allele origin: germline.
Comment: This missense variant replaces alanine with threonine at codon 382 of the KCNH2 protein. Computational prediction suggests that this variant may have deleterious impact on protein structure and function. To our knowledge, functional studies have not been reported for this variant. This variant has not been reported in individuals affected with KCNH2-related disorders in the literature. This variant has not been identified in the general population by the Genome Aggregation Database (gnomAD). The available evidence is insufficient to determine the role of this variant in disease conclusively. Therefore, this variant is classified as a Variant of Uncertain Significance.

Labcorp Genetics (formerly Invitae), Labcorp
Classification: Uncertain significance for Long QT syndrome. Last evaluated: 2023-01-19. Review status: criteria provided, single submitter. Criteria: Invitae Variant Classification Sherloc (09022015). Collection method: clinical testing. Allele origin: germline.
Comment: In summary, the available evidence is currently insufficient to determine the role of this variant in disease. Therefore, it has been classified as a Variant of Uncertain Significance. This sequence change replaces alanine, which is neutral and non-polar, with threonine, which is neutral and polar, at codon 382 of the KCNH2 protein (p.Ala382Thr). This variant is not present in population databases (gnomAD no frequency). This variant has not been reported in the literature in individuals affected with KCNH2-related conditions. Algorithms developed to predict the effect of missense changes on protein structure and function are either unavailable or do not agree on the potential impact of this missense change (SIFT: "Tolerated"; PolyPhen-2: "Probably Damaging"; Align-GVGD: "Class C0").